The following is an entry in ClinVar:

ClinVar aggregate classification (germline): Likely pathogenic (1 of 4 stars; one submission).

Submission:

Labcorp Genetics (formerly Invitae), Labcorp
Classification: Likely pathogenic. Last evaluated: 2023-11-03. Review status: criteria provided, single submitter. Criteria: Invitae Variant Classification Sherloc (09022015). Collection method: clinical testing. Allele origin: germline.
Comment: This sequence change affects a donor splice site in intron 10 of the RASGRP2 gene. It is expected to disrupt RNA splicing. Variants that disrupt the donor or acceptor splice site typically lead to a loss of protein function (PMID: 16199547), and loss-of-function variants in RASGRP2 are known to be pathogenic (PMID: 27235135, 27663674). This variant is not present in population databases (gnomAD no frequency). This variant has not been reported in the literature in individuals affected with RASGRP2-related conditions. Algorithms developed to predict the effect of sequence changes on RNA splicing suggest that this variant may disrupt the consensus splice site. In summary, the currently available evidence indicates that the variant is pathogenic, but additional data are needed to prove that conclusively. Therefore, this variant has been classified as Likely Pathogenic.

Literature cited by the submitters: PubMed 16199547; PubMed 27235135; PubMed 27663674.

NM_001098671.2(RASGRP2):c.1173+1G>A

Gene: RASGRP2 (RAS guanyl releasing protein 2; minus strand). Cytogenetic location: 11q13.1.
Variant type: single nucleotide variant.
Coding change: c.1173+1G>A on transcript NM_001098671.2 (MANE Select); the canonical splice donor site of the intron after coding-DNA position 1173, G replaced by A.
Molecular consequence: splice donor variant.
Genome position (GRCh38, 1-based): chr11:64,735,902, C>T on the plus strand (G>A on the coding strand, the complement: RASGRP2 is on the minus strand). VCF-style: chr11-64735902-C-T. GRCh37 (hg19) VCF-style: chr11-64503374-C-T.
Other names: c.1173+1G>A (NM_153819.2, NM_001440690.1, NM_001440698.1 and 9 more transcripts); c.1170+1G>A (NM_001440702.1, NM_001440701.1, NM_001440700.1); c.1257+1G>A (NM_001440705.1); c.1260+1G>A (NM_001440703.1, NM_001440704.1); c.738+1G>A (NM_001318398.2).
Identifiers: ClinVar variation 2999092 (VCV002999092.3), dbSNP rs112380141, ClinGen allele CA381138385.